The following is an entry in ClinVar:

NM_198994.3(TGM6):c.37C>T (p.Arg13Trp)

Gene: TGM6 (transglutaminase 6; plus strand). Cytogenetic location: 20p13.
Variant type: single nucleotide variant.
Coding change: c.37C>T on transcript NM_198994.3 (MANE Select); coding-DNA position 37, C replaced by T.
Protein change: p.Arg13Trp; replaces arginine 13 with tryptophan.
Molecular consequence: missense variant.
Genome position (GRCh38, 1-based): chr20:2,394,481, C>T. VCF-style: chr20-2394481-C-T. GRCh37 (hg19) VCF-style: chr20-2375127-C-T.
Other names: c.37C>T, p.Arg13Trp (NM_001254734.2); short protein forms R13W.
Identifiers: ClinVar variation 2596402 (VCV002596402.4), dbSNP rs747647653, ClinGen allele CA9731521.
Genomic context (GRCh38, chr20:2,394,481, plus strand): 5'-GGCCTCATCTCCCTGTCCTCTCCCCACCCAGGGATCAGAGTCACCAAGGTGGACTGGCAG[C>T]GGTCGAGGAATGGCGCTGCCCACCACACCCAGGAGTACCCCTGCCCTGAGCTGGTGGTTC-3'
Protein context (NP_945345.2, residues 3-23): GIRVTKVDWQ[Arg13Trp]SRNGAAHHTQ

ClinVar aggregate classification (germline): Uncertain significance. Review status: criteria provided, multiple submitters, no conflicts (2 of 4 stars). 2 submissions from 2 submitters: Uncertain significance (2). Last evaluated 2024-12-08.

Conditions:
Inborn genetic diseases. Identifiers: MedGen C0950123, MeSH D030342.

Allele frequency attached by ClinVar (database versions not stated): ExAC 0.00002; gnomAD exomes 0.00002; gnomAD 0.00003.
gnomAD v4.1: 26 of 1,611,380 alleles (0.0016%); highest among the groups gnomAD compares: Admixed American, 0.0083%; no homozygotes.

Submissions (2):

Labcorp Genetics (formerly Invitae), Labcorp
Classification: Uncertain significance. Last evaluated: 2024-12-08. Review status: criteria provided, single submitter. Criteria: Invitae Variant Classification Sherloc (09022015). Collection method: clinical testing. Allele origin: germline.
Comment: This sequence change replaces arginine, which is basic and polar, with tryptophan, which is neutral and slightly polar, at codon 13 of the TGM6 protein (p.Arg13Trp). This variant is present in population databases (rs747647653, gnomAD 0.009%). This variant has not been reported in the literature in individuals affected with TGM6-related conditions. ClinVar contains an entry for this variant (Variation ID: 2596402). Invitae Evidence Modeling of protein sequence and biophysical properties (such as structural, functional, and spatial information, amino acid conservation, physicochemical variation, residue mobility, and thermodynamic stability) indicates that this missense variant is not expected to disrupt TGM6 protein function with a negative predictive value of 80%. In summary, the available evidence is currently insufficient to determine the role of this variant in disease. Therefore, it has been classified as a Variant of Uncertain Significance.

Ambry Genetics
Classification: Uncertain significance for Inborn genetic diseases. Last evaluated: 2023-08-22. Review status: criteria provided, single submitter. Criteria: Ambry Variant Classification Scheme 2023. Collection method: clinical testing. Allele origin: germline.